The following is an entry in ClinVar:

NM_015294.6(TRIM37):c.1768dup (p.Tyr590fs)

Gene: TRIM37 (tripartite motif containing 37; minus strand). Cytogenetic location: 17q22.
Variant type: Duplication.
Coding change: c.1768dup on transcript NM_015294.6 (MANE Select); coding-DNA position 1768, one base duplicated (T; older notation c.1768dupT).
Protein change: p.Tyr590fs; shifts the reading frame from tyrosine 590.
Molecular consequence: frameshift variant. On other transcripts: non-coding transcript variant (2).
Genome position (GRCh38, 1-based): chr17:59,032,076, A duplicated on the plus strand (T on the coding strand, the reverse complement: TRIM37 is on the minus strand); the first of 2 consecutive A bases (chr17:59,032,076-59,032,077); duplicating either gives the same sequence. VCF-style (leftmost placement, unchanged base first): chr17-59032075-T-TA. GRCh37 (hg19) VCF-style: chr17-57109436-T-TA.
Other names: c.1768dup, p.Tyr590fs (NM_001005207.5, NM_001320988.3, NM_001320989.3 and 1 more transcripts); c.1666dup, p.Tyr556fs (NM_001320987.3, NM_001353082.2); c.1402dup, p.Tyr468fs (NM_001320990.3); c.1033dup, p.Tyr345fs (NM_001353083.2); c.1306dup, p.Tyr436fs (NM_001353085.2); c.1717dup, p.Tyr573fs (NM_001353086.2); short protein forms Y345fs, Y468fs, Y573fs, Y590fs, Y436fs, Y556fs.
Identifiers: ClinVar variation 2757784 (VCV002757784.3), dbSNP rs2545284485, ClinGen allele CA2697560286.
Genomic context (GRCh38, chr17:59,032,075, plus strand): 5'-CTACTGGTAGCAGCGGAGCATAAATGTGTTCTTCTTGATATTCTACTACTGGAACCCACA[T>TA]AACCATGGCTACTACCTGCAAAAGAGGCGTAGAAAATGATATATATATGCACAAACTTAG-3'

ClinVar aggregate classification (germline): Pathogenic (1 of 4 stars; one submission).

Submission:

Labcorp Genetics (formerly Invitae), Labcorp
Classification: Pathogenic. Last evaluated: 2023-09-04. Review status: criteria provided, single submitter. Criteria: Invitae Variant Classification Sherloc (09022015). Collection method: clinical testing. Allele origin: germline.
Comment: This sequence change creates a premature translational stop signal (p.Tyr590Leufs*6) in the TRIM37 gene. It is expected to result in an absent or disrupted protein product. Loss-of-function variants in TRIM37 are known to be pathogenic (PMID: 10888877, 15108285). This variant is not present in population databases (gnomAD no frequency). This variant has not been reported in the literature in individuals affected with TRIM37-related conditions. For these reasons, this variant has been classified as Pathogenic.

Literature cited by the submitters: PubMed 10888877; PubMed 15108285.